The following is an entry in ClinVar:

NM_005159.5(ACTC1):c.220G>C (p.Glu74Gln)

Genes: GJD2-DT (GJD2 divergent transcript; plus strand), ACTC1 (actin alpha cardiac muscle 1; minus strand). Cytogenetic location: 15q14.
Variant type: single nucleotide variant.
Coding change: c.220G>C on transcript NM_005159.5 (MANE Select); coding-DNA position 220, G replaced by C.
Protein change: p.Glu74Gln; replaces glutamic acid 74 with glutamine.
Molecular consequence: missense variant. On other transcripts: 5 prime UTR variant (1).
Genome position (GRCh38, 1-based): chr15:34,793,479, C>G on the plus strand (G>C on the coding strand, the complement: ACTC1 is on the minus strand). VCF-style: chr15-34793479-C-G. GRCh37 (hg19) VCF-style: chr15-35085680-C-G.
Other names: c.220G>C, p.Glu74Gln (NM_001406482.1, NM_001406483.1); c.85G>C, p.Glu29Gln (NM_001406484.1); c.-169G>C (NM_001406485.1); short protein forms E29Q, E74Q.
Identifiers: ClinVar variation 2949091 (VCV002949091.3), dbSNP rs1352413131, ClinGen allele CA391631891.

ClinVar aggregate classification (germline): Uncertain significance (1 of 4 stars; one submission).

Conditions:
Hypertrophic cardiomyopathy 11. Also called: ACTC1-Related Familial Hypertrophic Cardiomyopathy. Identifiers: MedGen C2677506, MONDO:0012799, OMIM 612098.
Dilated cardiomyopathy 1R (CMD1R). Identifiers: Orphanet 154, Orphanet 54260, MedGen C3150681, MONDO:0013261, OMIM 613424.
Atrial septal defect 5 (ASD5). Identifiers: Orphanet 1478, MedGen C2748552, MONDO:0013011, OMIM 612794.

Submission:

Labcorp Genetics (formerly Invitae), Labcorp
Classification: Uncertain significance for Dilated cardiomyopathy 1R; Hypertrophic cardiomyopathy 11; Atrial septal defect 5. Last evaluated: 2023-06-21. Review status: criteria provided, single submitter. Criteria: Invitae Variant Classification Sherloc (09022015). Collection method: clinical testing. Allele origin: germline.
Comment: This sequence change replaces glutamic acid, which is acidic and polar, with glutamine, which is neutral and polar, at codon 74 of the ACTC1 protein (p.Glu74Gln). This variant is not present in population databases (gnomAD no frequency). This variant has not been reported in the literature in individuals affected with ACTC1-related conditions. Advanced modeling of protein sequence and biophysical properties (such as structural, functional, and spatial information, amino acid conservation, physicochemical variation, residue mobility, and thermodynamic stability) performed at Invitae indicates that this missense variant is not expected to disrupt ACTC1 protein function. In summary, the available evidence is currently insufficient to determine the role of this variant in disease. Therefore, it has been classified as a Variant of Uncertain Significance.